The following is an entry in ClinVar:

NC_000018.9:g.(?_7117639)_(7118955_?)dup

Gene: LAMA1 (laminin subunit alpha 1; minus strand). Cytogenetic location: 18p11.23.
Variant type: Duplication.
Identifiers: ClinVar variation 3242794 (VCV003242794.1).

ClinVar aggregate classification (germline): Uncertain significance (1 of 4 stars; one submission).

Submission:

Labcorp Genetics (formerly Invitae), Labcorp
Classification: Uncertain significance. Last evaluated: 2023-03-21. Review status: criteria provided, single submitter. Criteria: Invitae Variant Classification Sherloc (09022015). Collection method: clinical testing. Allele origin: unknown.
Comment: In summary, the available evidence is currently insufficient to determine the role of this variant in disease. Therefore, it has been classified as a Variant of Uncertain Significance. Experimental studies and prediction algorithms are not available or were not evaluated, and the functional significance of this variant is currently unknown. This variant has not been reported in the literature in individuals affected with LAMA1-related conditions. This variant results in a copy number gain of the genomic region encompassing exon(s) 1 of the LAMA1 gene. This region includes the initiator codon of the gene. This copy number gain extends beyond the assayed region for this gene and therefore may encompass additional genes. As the precise location of this event is unknown, it may be in tandem or it may be located elsewhere in the genome.